The following is an entry in ClinVar:

ClinVar aggregate classification (germline): Likely benign (1 of 4 stars; one submission).

Conditions:
Hyperlipoproteinemia, type I. Also called: Lipoprotein Lipase Deficiency; Lipase D deficiency; Familial hyperlipo-proteinemia type 1; Hyperlipemia essential familial; Familial Lipoprotein Lipase Deficiency; Hyperlipoproteinemia type 1. Identifiers: Orphanet 309015, Orphanet 444490, MedGen C0023817, MONDO:0009387, OMIM 238600. Disease mechanism: loss of function.

Allele frequency attached by ClinVar (database versions not stated): 1000 Genomes Project 0.00060; TOPMed 0.00096; 1000 Genomes Project 30x 0.00078; gnomAD 0.00281.

Submission:

Illumina Laboratory Services, Illumina
Classification: Likely benign for Hyperlipoproteinemia, type I. Last evaluated: 2018-01-13. Review status: criteria provided, single submitter. Criteria: ICSL Variant Classification Criteria 13 December 2019. Collection method: clinical testing. Allele origin: germline.
Comment: This variant was observed in the ICSL laboratory as part of a predisposition screen in an ostensibly healthy population. It had not been previously curated by ICSL or reported in the Human Gene Mutation Database (HGMD: prior to June 1st, 2018), and was therefore a candidate for classification through an automated scoring system. Utilizing variant allele frequency, disease prevalence and penetrance estimates, and inheritance mode, an automated score was calculated to assess if this variant is too frequent to cause the disease. Based on the score and internal cut-off values, a variant classified as likely benign is not then subjected to further curation. The score for this variant resulted in a classification of likely benign for this disease.

NM_000237.3(LPL):c.*448C>T

Gene: LPL (lipoprotein lipase; plus strand). Cytogenetic location: 8p21.3.
Variant type: single nucleotide variant.
Coding change: c.*448C>T on transcript NM_000237.3 (MANE Select); 448 bases downstream of the stop codon, C replaced by T.
Molecular consequence: 3 prime UTR variant.
Genome position (GRCh38, 1-based): chr8:19,965,758, C>T. VCF-style: chr8-19965758-C-T. GRCh37 (hg19) VCF-style: chr8-19823269-C-T.
Identifiers: ClinVar variation 362424 (VCV000362424.5), dbSNP rs191212278, ClinGen allele CA10625117.